The following is an entry in ClinVar:

NM_001845.6(COL4A1):c.2870G>A (p.Gly957Glu)

Gene: COL4A1 (collagen type IV alpha 1 chain; minus strand). Cytogenetic location: 13q34.
Variant type: single nucleotide variant.
Coding change: c.2870G>A on transcript NM_001845.6 (MANE Select); coding-DNA position 2870, G replaced by A.
Protein change: p.Gly957Glu; replaces glycine 957 with glutamic acid.
Molecular consequence: missense variant.
Genome position (GRCh38, 1-based): chr13:110,176,724, C>T on the plus strand (G>A on the coding strand, the complement: COL4A1 is on the minus strand). VCF-style: chr13-110176724-C-T. GRCh37 (hg19) VCF-style: chr13-110829071-C-T.
Other names: short protein forms G957E.
Identifiers: ClinVar variation 1256082 (VCV001256082.1), dbSNP rs2139162781, ClinGen allele CA388666509.

ClinVar aggregate classification (germline): Pathogenic (1 of 4 stars; one submission).

Submission:

Athena Diagnostics
Classification: Pathogenic. Last evaluated: 2020-09-25. Review status: criteria provided, single submitter. Criteria: Athena Diagnostics criteria. Collection method: clinical testing. Allele origin: unknown.
Comment: This variant has not been reported in large, multi-ethnic general populations. This variant has been identified in at least one individual with clinical features associated with this gene. Majority of the pathogenic variants in this gene involve the substitution of a glycine residue in the triple-helix domain, resulting in disruption of protein function (PMID: 29632050, 21421911, 19344236). Computational tools yielded predictions that this variant may interfere with normal RNA splicing.